The following is an entry in ClinVar:

ClinVar aggregate classification (germline): Uncertain significance (1 of 4 stars; one submission).

Conditions:
Rhabdoid tumor predisposition syndrome 2 (RTPS2). Identifiers: Orphanet 231108, Orphanet 69077, MedGen C2750074, MONDO:0013224, OMIM 613325.

Submission:

Labcorp Genetics (formerly Invitae), Labcorp
Classification: Uncertain significance for Rhabdoid tumor predisposition syndrome 2. Last evaluated: 2025-05-19. Review status: criteria provided, single submitter. Criteria: Invitae Variant Classification Sherloc (09022015). Collection method: clinical testing. Allele origin: germline.
Comment: This sequence change replaces serine, which is neutral and polar, with isoleucine, which is neutral and non-polar, at codon 1469 of the SMARCA4 protein (p.Ser1469Ile). This variant is not present in population databases (gnomAD no frequency). This variant has not been reported in the literature in individuals affected with SMARCA4-related conditions. ClinVar contains an entry for this variant (Variation ID: 1367321). Invitae Evidence Modeling of protein sequence and biophysical properties (such as structural, functional, and spatial information, amino acid conservation, physicochemical variation, residue mobility, and thermodynamic stability) has been performed for this missense variant. However, the output from this modeling did not meet the statistical confidence thresholds required to predict the impact of this variant on SMARCA4 protein function. In summary, the available evidence is currently insufficient to determine the role of this variant in disease. Therefore, it has been classified as a Variant of Uncertain Significance.

NM_003072.5(SMARCA4):c.4310G>T (p.Ser1437Ile)

Gene: SMARCA4 (SWI/SNF related BAF chromatin remodeling complex subunit ATPase 4; plus strand). Cytogenetic location: 19p13.2.
Variant type: single nucleotide variant.
Coding change: c.4310G>T on transcript NM_003072.5 (MANE Select); coding-DNA position 4310, G replaced by T.
Protein change: p.Ser1437Ile; replaces serine 1437 with isoleucine.
Molecular consequence: missense variant. On other transcripts: non-coding transcript variant (1).
Genome position (GRCh38, 1-based): chr19:11,041,446, G>T. VCF-style: chr19-11041446-G-T. GRCh37 (hg19) VCF-style: chr19-11152122-G-T.
Other names: c.4310G>T, p.Ser1437Ile (NM_001128844.3); c.4220G>T, p.Ser1407Ile (NM_001128845.2, NM_001128846.2); c.4211G>T, p.Ser1404Ile (NM_001128847.4, NM_001128848.2, NM_001374457.1); c.4406G>T, p.Ser1469Ile (NM_001128849.3, NM_001387283.1); short protein forms S1407I, S1469I, S1404I, S1437I.
Identifiers: ClinVar variation 1367321 (VCV001367321.8), dbSNP rs1402031100, ClinGen allele CA404073776.